The following is an entry in ClinVar:

ClinVar aggregate classification (germline): Benign/Likely benign. Review status: criteria provided, multiple submitters, no conflicts (2 of 4 stars). 8 submissions from 7 submitters: Benign (1); Likely benign (4). 3 of the submissions do not count toward it. Last evaluated 2025-09-23.

Conditions:
SETX-related disorder. Also called: SETX-related condition; SETX-related disorders. Identifiers: MedGen CN239403.
Amyotrophic lateral sclerosis type 4 (ALS4). Also called: NEURONOPATHY, DISTAL HEREDITARY MOTOR, WITH PYRAMIDAL FEATURES; AMYOTROPHIC LATERAL SCLEROSIS 4, JUVENILE. Identifiers: Orphanet 357043, MedGen C1865409, MONDO:0011223, OMIM 602433.
Spinocerebellar ataxia, autosomal recessive, with axonal neuropathy 2 (SCAN2). Also called: Ataxia-ocular apraxia-2; ATAXIA-OCULOMOTOR APRAXIA 2; Ataxia with Oculomotor Apraxia; Ataxia with Oculomotor Apraxia Type 2. Identifiers: Orphanet 64753, MedGen C1853761, MONDO:0018996, OMIM 606002.

Allele frequency attached by ClinVar (database versions not stated): gnomAD exomes 0.00005 and 0.00016; ExAC 0.00020; 1000 Genomes Project 0.00060; TOPMed 0.00062; gnomAD 0.00067 and 0.00076; 1000 Genomes Project 30x 0.00078; ESP Exome Variant Server 0.00092.
gnomAD v4.1: 181 of 1,605,444 alleles (0.011%); highest among the groups gnomAD compares: African/African-American, 0.2%; 1 homozygote.

Submissions (9):

Mayo Clinic Laboratories, Mayo Clinic
Classification: Likely benign. Last evaluated: 2025-09-23. Review status: criteria provided, single submitter. Criteria: ACMG Guidelines, 2015. Collection method: clinical testing. Allele origin: germline. Observed: 2 variant alleles.
Comment: BS1, BP4, BP7

Labcorp Genetics (formerly Invitae), Labcorp
Classification: Likely benign for Amyotrophic lateral sclerosis type 4; Spinocerebellar ataxia, autosomal recessive, with axonal neuropathy 2. Last evaluated: 2025-06-29. Review status: criteria provided, single submitter. Criteria: Invitae Variant Classification Sherloc (09022015). Collection method: clinical testing. Allele origin: germline.

Athena Diagnostics
Classification: Benign. Last evaluated: 2024-06-24. Review status: criteria provided, single submitter. Criteria: Athena Diagnostics Criteria. Collection method: clinical testing. Allele origin: unknown.

Genome-Nilou Lab
Classification: Likely benign for Spinocerebellar ataxia, autosomal recessive, with axonal neuropathy 2. Last evaluated: 2023-02-08. Review status: criteria provided, single submitter. Criteria: ACMG Guidelines, 2015. Collection method: clinical testing. Allele origin: germline.

Genome-Nilou Lab
Classification: Likely benign for Amyotrophic lateral sclerosis type 4. Last evaluated: 2023-02-08. Review status: criteria provided, single submitter. Criteria: ACMG Guidelines, 2015. Collection method: clinical testing. Allele origin: germline.

PreventionGenetics, part of Exact Sciences
Classification: Likely benign for SETX-related condition. Last evaluated: 2019-02-19. Review status: no assertion criteria provided. Collection method: clinical testing. Allele origin: germline. Not counted in ClinVar's aggregate classification.
Comment: This variant is classified as likely benign based on ACMG/AMP sequence variant interpretation guidelines (Richards et al. 2015 PMID: 25741868, with internal and published modifications).

Dr. Peter K. Rogan Lab, Western University
No classification provided (evidence only). Condition: Thymoma. Review status: no classification provided. Collection method: in vitro. Allele origin: not applicable. Functional consequence: retained intron. Not counted in ClinVar's aggregate classification.

Genome Diagnostics Laboratory, Amsterdam University Medical Center
Classification: Likely benign. Review status: no assertion criteria provided. Collection method: clinical testing. Allele origin: germline. Affected: yes. Study: VKGL Data-share Consensus. Not counted in ClinVar's aggregate classification.

Laboratory of Diagnostic Genome Analysis, Leiden University Medical Center (LUMC)
Classification: Likely benign. Review status: no assertion criteria provided. Collection method: clinical testing. Allele origin: germline. Affected: yes. Study: VKGL Data-share Consensus. Not counted in ClinVar's aggregate classification.

NM_015046.7(SETX):c.717A>G (p.Leu239=)

Gene: SETX (senataxin; minus strand). Cytogenetic location: 9q34.13.
Variant type: single nucleotide variant.
Coding change: c.717A>G on transcript NM_015046.7 (MANE Select); coding-DNA position 717, A replaced by G.
Protein change: p.Leu239=; no amino-acid change (leucine 239 retained).
Molecular consequence: synonymous variant.
Genome position (GRCh38, 1-based): chr9:132,336,297, T>C on the plus strand (A>G on the coding strand, the complement: SETX is on the minus strand). VCF-style: chr9-132336297-T-C. GRCh37 (hg19) VCF-style: chr9-135211684-T-C.
Other names: p.Leu239=; c.717A>G, p.Leu239= (NM_001351527.2, NM_001351528.2).
Identifiers: ClinVar variation 468522 (VCV000468522.20), dbSNP rs147125311, ClinGen allele CA5297976.